The following is an entry in ClinVar:

ClinVar aggregate classification (germline): Uncertain significance (1 of 4 stars; one submission).

Conditions:
Early Myoclonic Encephalopathy. Identifiers: MedGen C0270855.

Submission:

Labcorp Genetics (formerly Invitae), Labcorp
Classification: Uncertain significance for Early Myoclonic Encephalopathy. Last evaluated: 2023-08-27. Review status: criteria provided, single submitter. Criteria: Invitae Variant Classification Sherloc (09022015). Collection method: clinical testing. Allele origin: germline.
Comment: This variant has not been reported in the literature in individuals affected with KCND2-related conditions. This variant results in a copy number gain of the genomic region encompassing exon(s) 1 of the KCND2 gene. This region includes the initiator codon of the gene. This copy number gain extends beyond the assayed region for this gene and therefore may encompass additional genes. As the precise location of this event is unknown, it may be in tandem or it may be located elsewhere in the genome. In summary, the available evidence is currently insufficient to determine the role of this variant in disease. Therefore, it has been classified as a Variant of Uncertain Significance.

NC_000007.13:g.(?_119914687)_(119915821_?)dup

Gene: KCND2 (potassium voltage-gated channel subfamily D member 2; plus strand). Cytogenetic location: 7q31.31.
Variant type: Duplication.
Identifiers: ClinVar variation 1411726 (VCV001411726.5).